The following is an entry in ClinVar:

NM_001768.7(CD8A):c.131A>G (p.Gln44Arg)

Gene: CD8A (CD8 subunit alpha; minus strand). Cytogenetic location: 2p11.2.
Variant type: single nucleotide variant.
Coding change: c.131A>G on transcript NM_001768.7 (MANE Select); coding-DNA position 131, A replaced by G.
Protein change: p.Gln44Arg; replaces glutamine 44 with arginine.
Molecular consequence: missense variant. On other transcripts: non-coding transcript variant (3).
Genome position (GRCh38, 1-based): chr2:86,790,600, T>C on the plus strand (A>G on the coding strand, the complement: CD8A is on the minus strand). VCF-style: chr2-86790600-T-C. GRCh37 (hg19) VCF-style: chr2-87017723-T-C.
Other names: c.131A>G, p.Gln44Arg (NM_001145873.1, NM_001382698.1, NM_171827.4); short protein forms Q44R.
Identifiers: ClinVar variation 1509870 (VCV001509870.8), dbSNP rs1384141156, ClinGen allele CA347577251.
Genomic context (GRCh38, chr2:86,790,600, plus strand): 5'-GCGGCGCCGCGCGGCTGGAAGAGCCACGAGCAGCCCGACGTCGGGTTGGACAGCAGCACC[T>C]GGCACTTCAGCTCCACTGTCTCGCCCAGGTTCCAGGTCCGATCCAGCGGCGACACCCGGA-3'
Protein context (NP_001759.3, residues 34-54): NLGETVELKC[Gln44Arg]VLLSNPTSGC

ClinVar aggregate classification (germline): Uncertain significance (1 of 4 stars; one submission).

Conditions:
Susceptibility to respiratory infections associated with CD8alpha chain mutation (IMD116). Also called: IMMUNODEFICIENCY 116; Cd8 deficiency, familial. Identifiers: Orphanet 169085, MedGen C1837065, MONDO:0012161, OMIM 608957.

Allele frequency attached by ClinVar (database versions not stated): gnomAD exomes below 0.00001; TOPMed 0.00001; gnomAD 0.00005.

Submission:

Labcorp Genetics (formerly Invitae), Labcorp
Classification: Uncertain significance for Susceptibility to respiratory infections associated with CD8alpha chain mutation. Last evaluated: 2021-02-14. Review status: criteria provided, single submitter. Criteria: Invitae Variant Classification Sherloc (09022015). Collection method: clinical testing. Allele origin: germline.
Comment: This sequence change replaces glutamine with arginine at codon 44 of the CD8A protein (p.Gln44Arg). The glutamine residue is moderately conserved and there is a small physicochemical difference between glutamine and arginine. This variant is not present in population databases (ExAC no frequency). This variant has not been reported in the literature in individuals with CD8A-related conditions. Algorithms developed to predict the effect of missense changes on protein structure and function (SIFT, PolyPhen-2, Align-GVGD) all suggest that this variant is likely to be tolerated, but these predictions have not been confirmed by published functional studies and their clinical significance is uncertain. In summary, the available evidence is currently insufficient to determine the role of this variant in disease. Therefore, it has been classified as a Variant of Uncertain Significance.